The following is an entry in ClinVar:

ClinVar aggregate classification (germline): Uncertain significance (1 of 4 stars; one submission).

Allele frequency attached by ClinVar (database versions not stated): gnomAD 0.00002 and 0.00003; gnomAD exomes 0.00003; TOPMed 0.00003; ExAC 0.00005.

Submission:

Labcorp Genetics (formerly Invitae), Labcorp
Classification: Uncertain significance. Last evaluated: 2025-10-15. Review status: criteria provided, single submitter. Criteria: Invitae Variant Classification Sherloc (09022015). Collection method: clinical testing. Allele origin: germline.
Comment: This sequence change replaces arginine, which is basic and polar, with histidine, which is basic and polar, at codon 306 of the LRRC8A protein (p.Arg306His). This variant is present in population databases (rs768085461, gnomAD 0.009%). This variant has not been reported in the literature in individuals affected with LRRC8A-related conditions. ClinVar contains an entry for this variant (Variation ID: 1383702). An algorithm developed to predict the effect of missense changes on protein structure and function (PolyPhen-2) suggests that this variant is likely to be tolerated. In summary, the available evidence is currently insufficient to determine the role of this variant in disease. Therefore, it has been classified as a Variant of Uncertain Significance.

NM_019594.4(LRRC8A):c.917G>A (p.Arg306His)

Gene: LRRC8A (leucine rich repeat containing 8 VRAC subunit A; plus strand). Cytogenetic location: 9q34.11.
Variant type: single nucleotide variant.
Coding change: c.917G>A on transcript NM_019594.4 (MANE Select); coding-DNA position 917, G replaced by A.
Protein change: p.Arg306His; replaces arginine 306 with histidine.
Molecular consequence: missense variant.
Genome position (GRCh38, 1-based): chr9:128,908,081, G>A. VCF-style: chr9-128908081-G-A. GRCh37 (hg19) VCF-style: chr9-131670360-G-A.
Other names: c.917G>A, p.Arg306His (NM_001127244.2, NM_001127245.2); short protein forms R306H.
Identifiers: ClinVar variation 1383702 (VCV001383702.8), dbSNP rs768085461, ClinGen allele CA5270801.